The following is an entry in ClinVar:

ClinVar aggregate classification (germline): Uncertain significance (1 of 4 stars; one submission).

Conditions:
CREBBP-related disorder. Also called: CREBBP-related condition; CREBBP-related disorders.

Submission:

PreventionGenetics, part of Exact Sciences
Classification: Uncertain significance for CREBBP-related condition. Last evaluated: 2024-11-17. Review status: criteria provided, single submitter. Criteria: ACMG Guidelines, 2015. Collection method: clinical testing. Allele origin: germline.
Comment: The CREBBP c.7122C>G variant is predicted to result in the amino acid substitution p.His2374Gln. To our knowledge, this variant has not been reported in the literature or in a large population database (gnomAD), indicating this variant is rare. At this time, the clinical significance of this variant is uncertain due to the absence of conclusive functional and genetic evidence.

NM_004380.3(CREBBP):c.7122C>G (p.His2374Gln)

Gene: CREBBP (CREB binding lysine acetyltransferase; minus strand). Cytogenetic location: 16p13.3.
Variant type: single nucleotide variant.
Coding change: c.7122C>G on transcript NM_004380.3 (MANE Select); coding-DNA position 7122, C replaced by G.
Protein change: p.His2374Gln; replaces histidine 2374 with glutamine.
Molecular consequence: missense variant.
Genome position (GRCh38, 1-based): chr16:3,727,925, G>C on the plus strand (C>G on the coding strand, the complement: CREBBP is on the minus strand). VCF-style: chr16-3727925-G-C. GRCh37 (hg19) VCF-style: chr16-3777926-G-C.
Other names: c.7008C>G, p.His2336Gln (NM_001079846.1); short protein forms H2374Q, H2336Q.
Identifiers: ClinVar variation 4998606 (VCV004998606.1).